The following is an entry in ClinVar:

ClinVar aggregate classification (germline): Uncertain significance (1 of 4 stars; one submission).

Conditions:
Intellectual disability, autosomal recessive 42 (NEDDSBA). Also called: Neurodevelopmental disorder with dysmorphic features, spasticity, and brain abnormalities; GLYCOSYLPHOSPHATIDYLINOSITOL BIOSYNTHESIS DEFECT 9. Identifiers: Orphanet 88616, MedGen C4014343, MONDO:0014348, OMIM 615802.

Allele frequency attached by ClinVar (database versions not stated): gnomAD exomes below 0.00001; TOPMed below 0.00001; gnomAD 0.00001.

Submission:

Labcorp Genetics (formerly Invitae), Labcorp
Classification: Uncertain significance for Intellectual disability, autosomal recessive 42. Last evaluated: 2022-05-12. Review status: criteria provided, single submitter. Criteria: Invitae Variant Classification Sherloc (09022015). Collection method: clinical testing. Allele origin: germline.
Comment: This sequence change replaces valine, which is neutral and non-polar, with isoleucine, which is neutral and non-polar, at codon 360 of the PGAP1 protein (p.Val360Ile). In summary, the available evidence is currently insufficient to determine the role of this variant in disease. Therefore, it has been classified as a Variant of Uncertain Significance. Algorithms developed to predict the effect of missense changes on protein structure and function (SIFT, PolyPhen-2, Align-GVGD) all suggest that this variant is likely to be tolerated. This variant has not been reported in the literature in individuals affected with PGAP1-related conditions. This variant is present in population databases (no rsID available, gnomAD 0.01%).

NM_024989.4(PGAP1):c.1078G>A (p.Val360Ile)

Gene: PGAP1 (post-GPI attachment to proteins inositol deacylase 1; minus strand). Cytogenetic location: 2q33.1.
Variant type: single nucleotide variant.
Coding change: c.1078G>A on transcript NM_024989.4 (MANE Select); coding-DNA position 1078, G replaced by A.
Protein change: p.Val360Ile; replaces valine 360 with isoleucine.
Molecular consequence: missense variant. On other transcripts: intron variant (1).
Genome position (GRCh38, 1-based): chr2:196,892,357, C>T on the plus strand (G>A on the coding strand, the complement: PGAP1 is on the minus strand). VCF-style: chr2-196892357-C-T. GRCh37 (hg19) VCF-style: chr2-197757081-C-T.
Other names: c.556G>A, p.Val186Ile (NM_001321099.2); c.-79+783G>A (NM_001321100.2); short protein forms V360I, V186I.
Identifiers: ClinVar variation 2156641 (VCV002156641.4), dbSNP rs1209704994, ClinGen allele CA350175755.